The following is an entry in ClinVar:

NM_020806.5(GPHN):c.1996G>A (p.Val666Ile)

Genes: GPHN (gephyrin; plus strand), LOC126861970 (MED14-independent group 3 enhancer GRCh37_chr14:67634697-67635896; plus strand). Cytogenetic location: 14q23.3.
Variant type: single nucleotide variant.
Coding change: c.1996G>A on transcript NM_020806.5 (MANE Select); coding-DNA position 1996, G replaced by A.
Protein change: p.Val666Ile; replaces valine 666 with isoleucine.
Molecular consequence: missense variant.
Genome position (GRCh38, 1-based): chr14:67,168,953, G>A. VCF-style: chr14-67168953-G-A. GRCh37 (hg19) VCF-style: chr14-67635670-G-A.
Other names: c.1897G>A, p.Val633Ile (NM_001024218.2); c.2056G>A, p.Val686Ile (NM_001377514.1); c.2026G>A, p.Val676Ile (NM_001377515.1); c.2017G>A, p.Val673Ile (NM_001377516.1); c.1969G>A, p.Val657Ile (NM_001377517.1); c.1954G>A, p.Val652Ile (NM_001377518.1); c.1936G>A, p.Val646Ile (NM_001377519.1); short protein forms V666I, V646I, V652I, V657I, V676I, V686I, V673I, V633I.
Identifiers: ClinVar variation 3666132 (VCV003666132.2).

ClinVar aggregate classification (germline): Uncertain significance (1 of 4 stars; one submission).

Conditions:
Sulfite oxidase deficiency due to molybdenum cofactor deficiency type C. Also called: Molybdenum cofactor deficiency C; Molybdenum cofactor deficiency, complementation group C. Identifiers: Orphanet 308400, Orphanet 833, MedGen C1854990, MONDO:0014212, OMIM 615501.

gnomAD v4.1: 6 of 1,611,512 alleles (0.00037%); highest among the groups gnomAD compares: Non-Finnish European, 0.00051%; no homozygotes.

Submission:

Labcorp Genetics (formerly Invitae), Labcorp
Classification: Uncertain significance for Sulfite oxidase deficiency due to molybdenum cofactor deficiency type C. Last evaluated: 2024-09-06. Review status: criteria provided, single submitter. Criteria: Invitae Variant Classification Sherloc (09022015). Collection method: clinical testing. Allele origin: germline.
Comment: This sequence change replaces valine, which is neutral and non-polar, with isoleucine, which is neutral and non-polar, at codon 666 of the GPHN protein (p.Val666Ile). This variant is present in population databases (rs766402125, gnomAD 0.003%). This variant has not been reported in the literature in individuals affected with GPHN-related conditions. Invitae Evidence Modeling of protein sequence and biophysical properties (such as structural, functional, and spatial information, amino acid conservation, physicochemical variation, residue mobility, and thermodynamic stability) indicates that this missense variant is not expected to disrupt GPHN protein function with a negative predictive value of 80%. In summary, the available evidence is currently insufficient to determine the role of this variant in disease. Therefore, it has been classified as a Variant of Uncertain Significance.